The following is an entry in ClinVar:

ClinVar aggregate classification (germline): Likely pathogenic. Review status: criteria provided, multiple submitters, no conflicts (2 of 4 stars). 3 submissions from 3 submitters: Likely pathogenic (2). 1 of the submissions does not count toward it. Last evaluated 2025-12-04.

Conditions:
PKHD1-related disorder. Also called: PKHD1-related condition.
Autosomal recessive polycystic kidney disease (ARPKD). Also called: AR polycystic kidney disease. Identifiers: Orphanet 731, Orphanet 8378, MedGen C0085548, MeSH D017044, MONDO:0009889.

gnomAD v4.1: 3 of 1,579,358 alleles (0.00019%); highest among the groups gnomAD compares: Admixed American, 0.0033%; no homozygotes.

Submissions (3):

PreventionGenetics, part of Exact Sciences
Classification: Likely pathogenic for PKHD1-related condition. Last evaluated: 2025-12-04. Review status: criteria provided, single submitter. Criteria: ACMG Guidelines, 2015. Collection method: clinical testing. Allele origin: germline.
Comment: The PKHD1 c.9998G>A variant is predicted to result in the amino acid substitution p.Arg3333Lys. To our knowledge, this variant has not been reported in the literature. This variant occurs at the last nucleotide of exon 59 and is predicted to significantly weaken or abolish the splice donor signal based on available splicing prediction programs (Alamut Visual Plus v1.6.1; SpliceAI, Jaganathan et al. 2019. PubMed ID: 30661751). Of note, a different substitution at the same nucleotide position, defined as c.9998G>C (p.Arg3333Thr), has been reported in the category of "splice variants" with a canonical splice variant (c.5237-1G>A) in an individual with autosomal recessive polycystic kidney disease (ARPKD) (Sharp et al. 2005. PubMed ID: 15805161). This variant is reported in 0.003% of alleles in individuals of Latino descent in gnomAD. This variant is interpreted as likely pathogenic.

GeneDx
Classification: Likely pathogenic. Last evaluated: 2025-03-11. Review status: criteria provided, single submitter. Criteria: GeneDx Variant Classification Process June 2021. Collection method: clinical testing. Allele origin: germline. Affected: yes.
Comment: Alters the last nucleotide of the exon and is predicted to destroy the splice donor site and result in aberrant splicing, although in the absence of functional evidence the actual effect of this sequence change is unknown; Not observed at significant frequency in large population cohorts (gnomAD); Has not been previously published as pathogenic or benign to our knowledge

Natera, Inc.
Classification: Uncertain significance for Autosomal recessive polycystic kidney disease. Last evaluated: 2020-01-31. Review status: no assertion criteria provided. Collection method: clinical testing. Allele origin: germline. Not counted in ClinVar's aggregate classification.

NM_138694.4(PKHD1):c.9998G>A (p.Arg3333Lys)

Gene: PKHD1 (PKHD1 ciliary IPT domain containing fibrocystin/polyductin; minus strand). Cytogenetic location: 6p12.3.
Variant type: single nucleotide variant.
Coding change: c.9998G>A on transcript NM_138694.4 (MANE Select); coding-DNA position 9998, G replaced by A.
Protein change: p.Arg3333Lys; replaces arginine 3333 with lysine.
Molecular consequence: missense variant.
Genome position (GRCh38, 1-based): chr6:51,746,721, C>T on the plus strand (G>A on the coding strand, the complement: PKHD1 is on the minus strand). VCF-style: chr6-51746721-C-T. GRCh37 (hg19) VCF-style: chr6-51611519-C-T.
Other names: c.9998G>A, p.Arg3333Lys (NM_170724.3); short protein forms R3333K.
Identifiers: ClinVar variation 392619 (VCV000392619.6), dbSNP rs1057524563, ClinGen allele CA16605053.